The following is an entry in ClinVar:

ClinVar aggregate classification (germline): Uncertain significance (1 of 4 stars; one submission).

Conditions:
Hereditary cancer-predisposing syndrome. Also called: Neoplastic Syndromes, Hereditary; Tumor predisposition; Hereditary neoplastic syndrome; Hereditary Cancer Syndrome. Identifiers: Orphanet 140162, MedGen C0027672, MeSH D009386, MONDO:0015356.

Submission:

Ambry Genetics
Classification: Uncertain significance for Hereditary cancer-predisposing syndrome. Last evaluated: 2026-08-07. Review status: criteria provided, single submitter. Criteria: Ambry Variant Classification Scheme 2023. Collection method: clinical testing. Allele origin: germline.
Comment: The p.H429L variant (also known as c.1286A>T), located in coding exon 8 of the FLCN gene, results from an A to T substitution at nucleotide position 1286. The histidine at codon 429 is replaced by leucine, an amino acid with similar properties. This amino acid position is conserved. In addition, this alteration is predicted to be deleterious by in silico analysis. Based on the available evidence, the clinical significance of this variant remains unclear.

NM_144997.7(FLCN):c.1286A>T (p.His429Leu)

Gene: FLCN (folliculin; minus strand). Cytogenetic location: 17p11.2.
Variant type: single nucleotide variant.
Coding change: c.1286A>T on transcript NM_144997.7 (MANE Select); coding-DNA position 1286, A replaced by T.
Protein change: p.His429Leu; replaces histidine 429 with leucine.
Molecular consequence: missense variant.
Genome position (GRCh38, 1-based): chr17:17,216,394, T>A on the plus strand (A>T on the coding strand, the complement: FLCN is on the minus strand). VCF-style: chr17-17216394-T-A. GRCh37 (hg19) VCF-style: chr17-17119708-T-A.
Other names: c.1340A>T, p.His447Leu (NM_001353229.2); c.1286A>T, p.His429Leu (NM_001353230.2, NM_001353231.2); short protein forms H447L, H429L.
Identifiers: ClinVar variation 5021867 (VCV005021867.1).